The following is an entry in ClinVar:

ClinVar aggregate classification (germline): Uncertain significance (1 of 4 stars; one submission).

Conditions:
Hereditary sensory and autonomic neuropathy type 7. Also called: Neuropathy, hereditary sensory and autonomic, type VII; HSAN VII. Identifiers: Orphanet 391397, MedGen C3809882, MONDO:0014244, OMIM 615548.
Familial episodic pain syndrome with predominantly lower limb involvement. Also called: Episodic pain syndrome, familial, 3. Identifiers: Orphanet 391384, Orphanet 391392, MedGen C3809899, MONDO:0014247, OMIM 615552.

Submission:

Labcorp Genetics (formerly Invitae), Labcorp
Classification: Uncertain significance for Familial episodic pain syndrome with predominantly lower limb involvement; Hereditary sensory and autonomic neuropathy type 7. Last evaluated: 2020-12-25. Review status: criteria provided, single submitter. Criteria: Invitae Variant Classification Sherloc (09022015). Collection method: clinical testing. Allele origin: germline.
Comment: This variant is not present in population databases (ExAC no frequency). In summary, the available evidence is currently insufficient to determine the role of this variant in disease. Therefore, it has been classified as a Variant of Uncertain Significance. Nucleotide substitutions within the consensus splice site are a relatively common cause of aberrant splicing (PMID: 17576681, 9536098). Algorithms developed to predict the effect of sequence changes on RNA splicing suggest that this variant may disrupt the consensus splice site, but this prediction has not been confirmed by published transcriptional studies. This variant has not been reported in the literature in individuals with SCN11A-related conditions. This sequence change falls in intron 18 of the SCN11A gene. It does not directly change the encoded amino acid sequence of the SCN11A protein. It affects a nucleotide within the consensus splice site of the intron.

Literature cited by the submitters: PubMed 17576681; PubMed 9536098.

NM_001349253.2(SCN11A):c.3220-3C>G

Gene: SCN11A (sodium voltage-gated channel alpha subunit 11; minus strand). Cytogenetic location: 3p22.2.
Variant type: single nucleotide variant.
Coding change: c.3220-3C>G on transcript NM_001349253.2 (MANE Select); 3 bases into the intron before coding-DNA position 3220, C replaced by G.
Molecular consequence: intron variant.
Genome position (GRCh38, 1-based): chr3:38,880,126, G>C on the plus strand (C>G on the coding strand, the complement: SCN11A is on the minus strand). VCF-style: chr3-38880126-G-C. GRCh37 (hg19) VCF-style: chr3-38921617-G-C.
Other names: c.3220-3C>G (NM_014139.3).
Identifiers: ClinVar variation 1466807 (VCV001466807.6), dbSNP rs2126103959, ClinGen allele CA2573136918.